The following is an entry in ClinVar:

ClinVar aggregate classification (germline): Uncertain significance (1 of 4 stars; one submission).

Allele frequency attached by ClinVar (database versions not stated): gnomAD exomes below 0.00001.
gnomAD v4.1: 1 of 1,612,228 alleles (0.000062%); highest among the groups gnomAD compares: Non-Finnish European, 0.000085%; no homozygotes.

Submission:

GeneDx
Classification: Uncertain significance. Last evaluated: 2022-12-07. Review status: criteria provided, single submitter. Criteria: GeneDx Variant Classification Process June 2021. Collection method: clinical testing. Allele origin: germline. Affected: yes.
Comment: Not observed at significant frequency in large population cohorts (gnomAD); In silico analysis supports that this missense variant has a deleterious effect on protein structure/function; Has not been previously published as pathogenic or benign to our knowledge

NM_005611.4(RBL2):c.3382C>T (p.Arg1128Cys)

Gene: RBL2 (RB transcriptional corepressor like 2; plus strand). Cytogenetic location: 16q12.2.
Variant type: single nucleotide variant.
Coding change: c.3382C>T on transcript NM_005611.4 (MANE Select); coding-DNA position 3382, C replaced by T.
Protein change: p.Arg1128Cys; replaces arginine 1128 with cysteine.
Molecular consequence: missense variant.
Genome position (GRCh38, 1-based): chr16:53,490,262, C>T. VCF-style: chr16-53490262-C-T. GRCh37 (hg19) VCF-style: chr16-53524174-C-T.
Other names: c.3382C>T, p.Arg1128Cys (NM_001323608.2); c.3310C>T, p.Arg1104Cys (NM_001323609.2); c.3235C>T, p.Arg1079Cys (NM_001323610.2); c.3160C>T, p.Arg1054Cys (NM_001323611.1); short protein forms R1054C, R1079C, R1104C, R1128C.
Identifiers: ClinVar variation 2504684 (VCV002504684.1), dbSNP rs2543493834, ClinGen allele CA395917831.